The following is an entry in ClinVar:

ClinVar aggregate classification (germline): Uncertain significance (1 of 4 stars; one submission).

Conditions:
Hereditary cancer-predisposing syndrome. Also called: Tumor predisposition; Hereditary Cancer Syndrome; Neoplastic Syndromes, Hereditary; Hereditary neoplastic syndrome. Identifiers: Orphanet 140162, MedGen C0027672, MeSH D009386, MONDO:0015356.

Allele frequency attached by ClinVar (database versions not stated): gnomAD 0.00001; 1000 Genomes Project 0.00020; 1000 Genomes Project 30x 0.00031.
gnomAD v4.1: 1 of 1,614,170 alleles (0.000062%); highest among the groups gnomAD compares: East Asian, 0.0022%; no homozygotes.

Submission:

Ambry Genetics
Classification: Uncertain significance for Hereditary cancer-predisposing syndrome. Last evaluated: 2025-05-09. Review status: criteria provided, single submitter. Criteria: Ambry Variant Classification Scheme 2023. Collection method: clinical testing. Allele origin: germline.
Comment: The p.D933N variant (also known as c.2797G>A), located in coding exon 20 of the MSH3 gene, results from a G to A substitution at nucleotide position 2797. The aspartic acid at codon 933 is replaced by asparagine, an amino acid with highly similar properties. This amino acid position is conserved. In addition, the in silico prediction for this alteration is inconclusive. Since supporting evidence is limited at this time, the clinical significance of this alteration remains unclear.

NM_002439.5(MSH3):c.2797G>A (p.Asp933Asn)

Gene: MSH3 (mutS homolog 3; plus strand). Cytogenetic location: 5q14.1.
Variant type: single nucleotide variant.
Coding change: c.2797G>A on transcript NM_002439.5 (MANE Select); coding-DNA position 2797, G replaced by A.
Protein change: p.Asp933Asn; replaces aspartic acid 933 with asparagine.
Molecular consequence: missense variant.
Genome position (GRCh38, 1-based): chr5:80,813,725, G>A. VCF-style: chr5-80813725-G-A. GRCh37 (hg19) VCF-style: chr5-80109544-G-A.
Other names: short protein forms D933N.
Identifiers: ClinVar variation 1796103 (VCV001796103.3), dbSNP rs183284764, ClinGen allele CA121307581.